The following is an entry in ClinVar:

NM_001009944.3(PKD1):c.289G>C (p.Asp97His)

Gene: PKD1 (polycystin 1, transient receptor potential channel interacting; minus strand). Cytogenetic location: 16p13.3.
Variant type: single nucleotide variant.
Coding change: c.289G>C on transcript NM_001009944.3 (MANE Select); coding-DNA position 289, G replaced by C.
Protein change: p.Asp97His; replaces aspartic acid 97 with histidine.
Molecular consequence: missense variant.
Genome position (GRCh38, 1-based): chr16:2,119,184, C>G on the plus strand (G>C on the coding strand, the complement: PKD1 is on the minus strand). VCF-style: chr16-2119184-C-G. GRCh37 (hg19) VCF-style: chr16-2169185-C-G.
Other names: p.Asp97His; c.289G>C, p.Asp97His (NM_000296.4); short protein forms D97H.
Identifiers: ClinVar variation 4542004 (VCV004542004.1).

ClinVar aggregate classification (germline): Uncertain significance (1 of 4 stars; one submission).

Submission:

Mayo Clinic Laboratories, Mayo Clinic
Classification: Uncertain significance. Last evaluated: 2025-03-31. Review status: criteria provided, single submitter. Criteria: ACMG Guidelines, 2015. Collection method: clinical testing. Allele origin: germline. Observed: 2 variant alleles.
Comment: BP4, PM2_supporting

Literature cited by the submitters: PubMed 21115670; PubMed 23300259; PubMed 30816285.